The following is an entry in ClinVar:

NM_004453.4(ETFDH):c.350_351dup (p.Cys118fs)

Gene: ETFDH (electron transfer flavoprotein dehydrogenase; plus strand). Cytogenetic location: 4q32.1.
Variant type: Duplication.
Coding change: c.350_351dup on transcript NM_004453.4 (MANE Select); coding-DNA positions 350 to 351, 2 bases duplicated (CT; older notation c.350_351dupCT).
Protein change: p.Cys118fs; shifts the reading frame from cysteine 118.
Molecular consequence: frameshift variant.
Genome position (GRCh38, 1-based): chr4:158,682,369-158,682,370, CT duplicated. VCF-style (leftmost placement, unchanged base first): chr4-158682368-G-GCT. GRCh37 (hg19) VCF-style: chr4-159603520-G-GCT.
Other names: c.209_210dup, p.Cys71fs (NM_001281737.2); c.167_168dup, p.Cys57fs (NM_001281738.1); short protein forms C118fs, C71fs, C57fs.
Identifiers: ClinVar variation 2704550 (VCV002704550.3), dbSNP rs2479080854, ClinGen allele CA2697546968.

ClinVar aggregate classification (germline): Pathogenic (1 of 4 stars; one submission).

Conditions:
Multiple acyl-CoA dehydrogenase deficiency (MADD). Also called: ETHYLMALONIC-ADIPICACIDURIA; GA II; Glutaric aciduria, type 2; Glutaric Acidemia type 2; Glutaric acidemia type II; GA 2. Identifiers: Orphanet 26791, MedGen C0268596, MONDO:0009282, OMIM 231680.

Submission:

Labcorp Genetics (formerly Invitae), Labcorp
Classification: Pathogenic for Multiple acyl-CoA dehydrogenase deficiency. Last evaluated: 2023-12-21. Review status: criteria provided, single submitter. Criteria: Invitae Variant Classification Sherloc (09022015). Collection method: clinical testing. Allele origin: germline.
Comment: This sequence change creates a premature translational stop signal (p.Cys118Leufs*26) in the ETFDH gene. It is expected to result in an absent or disrupted protein product. Loss-of-function variants in ETFDH are known to be pathogenic (PMID: 16510302, 23785301). This variant is not present in population databases (gnomAD no frequency). This variant has not been reported in the literature in individuals affected with ETFDH-related conditions. For these reasons, this variant has been classified as Pathogenic.

Literature cited by the submitters: PubMed 16510302; PubMed 23785301.